The following is an entry in ClinVar:

NM_000214.3(JAG1):c.1205dup (p.Gln403fs)

Gene: JAG1 (jagged canonical Notch ligand 1; minus strand). Cytogenetic location: 20p12.2.
Variant type: Duplication.
Coding change: c.1205dup on transcript NM_000214.3 (MANE Select); coding-DNA position 1205, one base duplicated (C; older notation c.1205dupC).
Protein change: p.Gln403fs; shifts the reading frame from glutamine 403.
Molecular consequence: frameshift variant.
Genome position (GRCh38, 1-based): chr20:10,650,276, G duplicated on the plus strand (C on the coding strand, the reverse complement: JAG1 is on the minus strand); the first of 6 consecutive G bases (chr20:10,650,276-10,650,281); duplicating any one gives the same sequence. VCF-style (leftmost placement, unchanged base first): chr20-10650275-T-TG. GRCh37 (hg19) VCF-style: chr20-10630923-T-TG.
Other names: 1618insC; c.1205dup, p.Gln403fs (LRG_1191t1); short protein forms Q403fs.
Identifiers: ClinVar variation 213558 (VCV000213558.10), dbSNP rs35615084, ClinGen allele CA321712.
Genomic context (GRCh38, chr20:10,650,275, plus strand): 5'-TATAAAAATTACAGTCACAGGGATGTTCTTACCTAACTGGCACGTTTTCCCAGTCCACTG[T>TG]GGGGGGCACACACACTTAAATCCGTTAACCAGGTCCTGGCAGGTGCCCCCGTGGGAACAG-3'

ClinVar aggregate classification (germline): Pathogenic. Review status: criteria provided, multiple submitters, no conflicts (2 of 4 stars). 4 submissions from 4 submitters: Pathogenic (3). 1 of the submissions does not count toward it. Last evaluated 2025-06-28.

Conditions:
Alagille syndrome due to a JAG1 point mutation. Also called: HEPATIC DUCTULAR HYPOPLASIA, SYNDROMATIC; JAG1-Related Alagille Syndrome; Alagille Syndrome 1. Identifiers: Orphanet 261619, Orphanet 52, MedGen C1956125, MONDO:0016862, OMIM 118450.

Submissions (4):

Immunogenetics and Transplant Biology Service, University Hospital "Città della Salute e della Scienza di Torino"
Classification: Pathogenic for Alagille syndrome due to a JAG1 point mutation. Last evaluated: 2025-06-28. Review status: criteria provided, single submitter. Criteria: ACMG Guidelines, 2015. Collection method: clinical testing. Allele origin: germline. Affected: yes.

Labcorp Genetics (formerly Invitae), Labcorp
Classification: Pathogenic for Alagille syndrome due to a JAG1 point mutation. Last evaluated: 2024-11-04. Review status: criteria provided, single submitter. Criteria: Invitae Variant Classification Sherloc (09022015). Collection method: clinical testing. Allele origin: germline.
Comment: This sequence change creates a premature translational stop signal (p.Gln403Thrfs*13) in the JAG1 gene. It is expected to result in an absent or disrupted protein product. Loss-of-function variants in JAG1 are known to be pathogenic (PMID: 11180599). This variant is not present in population databases (gnomAD no frequency). This premature translational stop signal has been observed in individual(s) with Alagille syndrome (PMID: 9585603). ClinVar contains an entry for this variant (Variation ID: 213558). For these reasons, this variant has been classified as Pathogenic.

GeneDx
Classification: Pathogenic. Last evaluated: 2014-07-09. Review status: criteria provided, single submitter. Criteria: GeneDx Variant Classification (06012015). Collection method: clinical testing. Allele origin: germline. Affected: yes.
Comment: The c.1205dupC mutation in the JAG1 gene has been reported previously in association with Alagille syndrome using different nomenclature (Krantz, et al., 1998) . The duplication causes a frameshift starting with codon Glycine 403, changes this amino acid to a Threonine residue and creates a premature Stop codon at position 13 of the new reading frame, denoted p.Gln403ThrfsX13. This mutation is predicted to cause loss of normal protein function either through protein truncation or nonsense-mediated mRNA decay This variant was found in JAG1

OMIM
Classification: Pathogenic for ALAGILLE SYNDROME 1. Last evaluated: 1998-06-01. Review status: no assertion criteria provided. Collection method: literature only. Allele origin: germline. Not counted in ClinVar's aggregate classification.

Literature cited by the submitters: PubMed 11180599 (cited by Labcorp Genetics (formerly Invitae), Labcorp); PubMed 9585603 (cited by Labcorp Genetics (formerly Invitae), Labcorp and OMIM).